The following is an entry in ClinVar:

NM_000216.4(ANOS1):c.815G>A (p.Arg272Gln)

Gene: ANOS1 (anosmin 1; minus strand). Cytogenetic location: Xp22.31.
Variant type: single nucleotide variant.
Coding change: c.815G>A on transcript NM_000216.4 (MANE Select); coding-DNA position 815, G replaced by A.
Protein change: p.Arg272Gln; replaces arginine 272 with glutamine.
Molecular consequence: missense variant.
Genome position (GRCh38, 1-based): chrX:8,585,308, C>T on the plus strand (G>A on the coding strand, the complement: ANOS1 is on the minus strand). VCF-style: chrX-8585308-C-T. GRCh37 (hg19) VCF-style: chrX-8553349-C-T.
Other names: c.815G>A, p.Arg272Gln (NM_001440775.1); short protein forms R272Q.
Identifiers: ClinVar variation 4691340 (VCV004691340.1).

ClinVar aggregate classification (germline): Uncertain significance (1 of 4 stars; one submission).

Conditions:
Hypogonadotropic hypogonadism 1 with or without anosmia (HH1). Also called: Kallmann syndrome, type 1, X-linked; DYSPLASIA OLFACTOGENITALIS OF DE MORSIER; HYPOGONADOTROPIC HYPOGONADISM 1 WITH ANOSMIA; KAL1-Related GnRH Deficiency (Kallmann Syndrome 1; Kallmann Syndrome, X-Linked); Hypogonadotropic hypogonadism 1 with or without anosmia (Kallmann syndrome 1); HYPOGONADOTROPIC HYPOGONADISM AND ANOSMIA. Identifiers: Orphanet 478, MedGen C1563719, MONDO:0010635, OMIM 308700. Disease mechanism: loss of function.

gnomAD v4.1: 7 of 1,208,898 alleles (0.00058%); highest among the groups gnomAD compares: East Asian, 0.003%; no homozygotes.

Submission:

Labcorp Genetics (formerly Invitae), Labcorp
Classification: Uncertain significance for Hypogonadotropic hypogonadism 1 with or without anosmia. Last evaluated: 2025-07-27. Review status: criteria provided, single submitter. Criteria: Invitae Variant Classification Sherloc (09022015). Collection method: clinical testing. Allele origin: germline.
Comment: This sequence change replaces arginine, which is basic and polar, with glutamine, which is neutral and polar, at codon 272 of the ANOS1 protein (p.Arg272Gln). This variant is present in population databases (rs749764438, gnomAD 0.008%), including at least one homozygous and/or hemizygous individual. This variant has not been reported in the literature in individuals affected with ANOS1-related conditions. Invitae Evidence Modeling of protein sequence and biophysical properties (such as structural, functional, and spatial information, amino acid conservation, physicochemical variation, residue mobility, and thermodynamic stability) indicates that this missense variant is expected to disrupt ANOS1 protein function with a positive predictive value of 80%. In summary, the available evidence is currently insufficient to determine the role of this variant in disease. Therefore, it has been classified as a Variant of Uncertain Significance.